The following is an entry in ClinVar:

NM_001256545.2(MEGF10):c.*2240G>A

Gene: MEGF10 (multiple EGF like domains 10; plus strand). Cytogenetic location: 5q23.2.
Variant type: single nucleotide variant.
Coding change: c.*2240G>A on transcript NM_001256545.2 (MANE Select); 2240 bases downstream of the stop codon, G replaced by A.
Molecular consequence: 3 prime UTR variant.
Genome position (GRCh38, 1-based): chr5:127,459,558, G>A. VCF-style: chr5-127459558-G-A. GRCh37 (hg19) VCF-style: chr5-126795250-G-A.
Other names: c.*2240G>A (NM_032446.3).
Identifiers: ClinVar variation 905145 (VCV000905145.5), dbSNP rs77136524, ClinGen allele CA126956093.

ClinVar aggregate classification (germline): Likely benign. Review status: criteria provided, multiple submitters, no conflicts (2 of 4 stars). 2 submissions from 2 submitters: Likely benign (2). Last evaluated 2018-01-12.

Conditions:
MEGF10-related myopathy (CMYO10A). Also called: Congenital myopathy 10A, severe variant. Identifiers: Orphanet 439212, MedGen C3280679, MONDO:0013731, OMIM 614399.

Allele frequency attached by ClinVar (database versions not stated): TOPMed 0.01546; gnomAD 0.01650 and 0.01888; 1000 Genomes Project 30x 0.03264; 1000 Genomes Project 0.03415.

Submissions (2):

Illumina Laboratory Services, Illumina
Classification: Likely benign for MEGF10-related myopathy. Last evaluated: 2018-01-12. Review status: criteria provided, single submitter. Criteria: ICSL Variant Classification Criteria 13 December 2019. Collection method: clinical testing. Allele origin: germline.
Comment: This variant was observed in the ICSL laboratory as part of a predisposition screen in an ostensibly healthy population. It had not been previously curated by ICSL or reported in the Human Gene Mutation Database (HGMD: prior to June 1st, 2018), and was therefore a candidate for classification through an automated scoring system. Utilizing variant allele frequency, disease prevalence and penetrance estimates, and inheritance mode, an automated score was calculated to assess if this variant is too frequent to cause the disease. Based on the score and internal cut-off values, a variant classified as likely benign is not then subjected to further curation. The score for this variant resulted in a classification of likely benign for this disease.

Breakthrough Genomics
Classification: Likely benign. Review status: criteria provided, single submitter. Criteria: ACMG Guidelines, 2015. Collection method: not provided. Allele origin: germline. Inheritance: Autosomal recessive inheritance. Affected: yes.